The following is an entry in ClinVar:

ClinVar aggregate classification (germline): Pathogenic (1 of 4 stars; one submission).

Submission:

ISCA site 15
Classification: Pathogenic. Last evaluated: 2011-08-12. Review status: criteria provided, single submitter. Criteria: Kaminsky et al. (Genet Med. 2011). Collection method: clinical testing. Allele origin: unknown. Affected: yes. Observed: 1 variant allele.
Comment: Copy number variation identified through the course of routine clinical cytogenomic testing in postnatal populations. Clinical assertions have been curated as described in Kaminsky et al. 2011.

GRCh38/hg38 15q22.33-23(chr15:67194581-69086285)x1

Genes: AAGAB (alpha and gamma adaptin binding protein; minus strand), ANP32A (acidic nuclear phosphoprotein 32 family member A; minus strand), ANP32A-IT1 (ANP32A intronic transcript 1; minus strand), C15orf61 (chromosome 15 open reading frame 61; plus strand), CALML4 (calmodulin like 4; minus strand) and 71 more. Cytogenetic location: 15q22.33-23.
Variant type: copy number loss.
Change: copy number 1 (one copy instead of two) of chr15:67,194,581-69,086,285 (1.89 Mb, GRCh38 coordinates, 1-based), cytogenetic band 15q22.33-23.
Identifiers: ClinVar variation 59379 (VCV000059379.1).